The following is an entry in ClinVar:

ClinVar aggregate classification (germline): Uncertain significance (1 of 4 stars; one submission).

Allele frequency attached by ClinVar (database versions not stated): gnomAD exomes below 0.00001.
gnomAD v4.1: 1 of 1,614,122 alleles (0.000062%); highest among the groups gnomAD compares: Admixed American, 0.0017%; no homozygotes.

Submission:

Labcorp Genetics (formerly Invitae), Labcorp
Classification: Uncertain significance. Last evaluated: 2022-08-31. Review status: criteria provided, single submitter. Criteria: Invitae Variant Classification Sherloc (09022015). Collection method: clinical testing. Allele origin: germline.
Comment: This sequence change replaces isoleucine, which is neutral and non-polar, with valine, which is neutral and non-polar, at codon 273 of the GFM1 protein (p.Ile273Val). This variant is present in population databases (no rsID available, gnomAD 0.003%). In summary, the available evidence is currently insufficient to determine the role of this variant in disease. Therefore, it has been classified as a Variant of Uncertain Significance. Advanced modeling of protein sequence and biophysical properties (such as structural, functional, and spatial information, amino acid conservation, physicochemical variation, residue mobility, and thermodynamic stability) performed at Invitae indicates that this missense variant is not expected to disrupt GFM1 protein function. This variant has not been reported in the literature in individuals affected with GFM1-related conditions.

NM_024996.7(GFM1):c.817A>G (p.Ile273Val)

Gene: GFM1 (G elongation factor mitochondrial 1; plus strand). Cytogenetic location: 3q25.32.
Variant type: single nucleotide variant.
Coding change: c.817A>G on transcript NM_024996.7 (MANE Select); coding-DNA position 817, A replaced by G.
Protein change: p.Ile273Val; replaces isoleucine 273 with valine.
Molecular consequence: missense variant. On other transcripts: non-coding transcript variant (4).
Genome position (GRCh38, 1-based): chr3:158,652,223, A>G. VCF-style: chr3-158652223-A-G. GRCh37 (hg19) VCF-style: chr3-158370012-A-G.
Other names: c.874A>G, p.Ile292Val (NM_001308164.2, NM_001374355.1); c.817A>G, p.Ile273Val (NM_001308166.2); c.700A>G, p.Ile234Val (NM_001374356.1); c.592A>G, p.Ile198Val (NM_001374357.1); c.358A>G, p.Ile120Val (NM_001374358.1); c.250A>G, p.Ile84Val (NM_001374359.1, NM_001374360.1); c.133A>G, p.Ile45Val (NM_001374361.1); short protein forms I273V, I234V, I292V, I45V, I84V, I120V, I198V.
Identifiers: ClinVar variation 2091343 (VCV002091343.4), dbSNP rs1278054865, ClinGen allele CA355176867.